The following is an entry in ClinVar:

ClinVar aggregate classification (germline): Likely benign (1 of 4 stars; one submission).

gnomAD v4.1: 153 of 1,614,090 alleles (0.0095%); highest among the groups gnomAD compares: Middle Eastern, 0.016%; no homozygotes.

Submission:

CeGaT Center for Human Genetics Tuebingen
Classification: Likely benign. Last evaluated: 2025-12-01. Review status: criteria provided, single submitter. Criteria: CeGaT Center For Human Genetics Tuebingen Variant Classification Criteria Version 2. Collection method: clinical testing. Allele origin: germline. Affected: yes. Observed: 1 variant allele.
Comment: CHD3: BP4, BP7

NM_001005273.3(CHD3):c.1392C>T (p.Asp464=)

Gene: CHD3 (chromodomain helicase DNA binding protein 3; plus strand). Cytogenetic location: 17p13.1.
Variant type: single nucleotide variant.
Coding change: c.1392C>T on transcript NM_001005273.3 (MANE Select); coding-DNA position 1392, C replaced by T.
Protein change: p.Asp464=; no amino-acid change (aspartic acid 464 retained).
Molecular consequence: synonymous variant.
Genome position (GRCh38, 1-based): chr17:7,895,039, C>T. VCF-style: chr17-7895039-C-T. GRCh37 (hg19) VCF-style: chr17-7798357-C-T.
Other names: c.1569C>T, p.Asp523= (NM_001005271.3, NM_001437504.1); c.1557C>T, p.Asp519= (NM_001437507.1, NM_001437508.1, NM_001437509.1); c.1392C>T, p.Asp464= (NM_005852.4).
Identifiers: ClinVar variation 4681339 (VCV004681339.5).